The following is an entry in ClinVar:

ClinVar aggregate classification (germline): Conflicting classifications of pathogenicity. Review status: criteria provided, conflicting classifications (1 of 4 stars). 3 submissions from 3 submitters: Likely pathogenic (1); Uncertain significance (2). Last evaluated 2025-09-20.

Conditions:
Cardiomyopathy (CMYO). Also called: Cardiomyopathies. Identifiers: Orphanet 167848, MedGen C0878544, MONDO:0004994, HP:0001638. Inheritance: Various modes of inheritance.
Hypertrophic cardiomyopathy. Also called: HYPERTROPHIC MYOCARDIOPATHY. Identifiers: Orphanet 217569, MedGen C0007194, MeSH D002312, MONDO:0005045, HP:0001639.

Submissions (3):

Labcorp Genetics (formerly Invitae), Labcorp
Classification: Uncertain significance for Hypertrophic cardiomyopathy. Last evaluated: 2025-09-20. Review status: criteria provided, single submitter. Criteria: Invitae Variant Classification Sherloc (09022015). Collection method: clinical testing. Allele origin: germline.
Comment: This sequence change affects a donor splice site in intron 33 of the MYBPC3 gene. While this variant is not anticipated to result in nonsense mediated decay, it likely alters RNA splicing and results in a disrupted protein product. This variant is not present in population databases (gnomAD no frequency). Disruption of this splice site has been observed in individual(s) with hypertrophic cardiomyopathy (PMID: 25132132, 30297972, 37652022, 39160446). ClinVar contains an entry for this variant (Variation ID: 384022). Variants that disrupt the consensus splice site are a relatively common cause of aberrant splicing (PMID: 17576681, 9536098). Algorithms developed to predict the effect of sequence changes on RNA splicing suggest that this variant may disrupt the consensus splice site. In summary, the available evidence is currently insufficient to determine the role of this variant in disease. Therefore, it has been classified as a Variant of Uncertain Significance.

CHEO Genetics Diagnostic Laboratory, Children's Hospital of Eastern Ontario
Classification: Uncertain significance for Cardiomyopathy. Last evaluated: 2022-03-16. Review status: criteria provided, single submitter. Criteria: ACMG Guidelines, 2015. Collection method: clinical testing. Allele origin: germline.

GeneDx
Classification: Likely pathogenic. Last evaluated: 2020-06-04. Review status: criteria provided, single submitter. Criteria: GeneDx Variant Classification Process June 2021. Collection method: clinical testing. Allele origin: germline. Affected: yes.
Comment: Canonical splice site variant predicted to result in a null allele in a gene for which loss-of-function is a known mechanism of disease; Not observed in large population cohorts (Lek et al., 2016); This variant is associated with the following publications: (PMID: 30297972)

Literature cited by the submitters: PubMed 25132132 (cited by Labcorp Genetics (formerly Invitae), Labcorp); PubMed 30297972 (cited by Labcorp Genetics (formerly Invitae), Labcorp); PubMed 37652022 (cited by Labcorp Genetics (formerly Invitae), Labcorp); PubMed 39160446 (cited by Labcorp Genetics (formerly Invitae), Labcorp); PubMed 17576681 (cited by Labcorp Genetics (formerly Invitae), Labcorp); PubMed 9536098 (cited by Labcorp Genetics (formerly Invitae), Labcorp).

NM_000256.3(MYBPC3):c.3814+1G>A

Gene: MYBPC3 (myosin binding protein C3; minus strand). Cytogenetic location: 11p11.2.
Variant type: single nucleotide variant.
Coding change: c.3814+1G>A on transcript NM_000256.3 (MANE Select); the canonical splice donor site of the intron after coding-DNA position 3814, G replaced by A.
Molecular consequence: splice donor variant.
Genome position (GRCh38, 1-based): chr11:47,332,071, C>T on the plus strand (G>A on the coding strand, the complement: MYBPC3 is on the minus strand). VCF-style: chr11-47332071-C-T. GRCh37 (hg19) VCF-style: chr11-47353622-C-T.
Identifiers: ClinVar variation 384022 (VCV000384022.8), dbSNP rs1057521823, ClinGen allele CA16606935.
Genomic context (GRCh38, chr11:47,332,071, plus strand): 5'-AGGGTCCCCACTGCCGCCCGCTCTTCCCATCTCCCAGGCCCTGGCCCCGAGGGCTCCTCA[C>T]CTCGCACCTCCAGGCGGCACTCACACCGTGCCTCGCCCTGTAAGTTGGTGGCCCTGCAGA-3'